The following is an entry in ClinVar:

NM_000051.4(ATM):c.3239A>G (p.Asp1080Gly)

Gene: ATM (ATM serine/threonine kinase; plus strand). Cytogenetic location: 11q22.3.
Variant type: single nucleotide variant.
Coding change: c.3239A>G on transcript NM_000051.4 (MANE Select); coding-DNA position 3239, A replaced by G.
Protein change: p.Asp1080Gly; replaces aspartic acid 1080 with glycine.
Molecular consequence: missense variant.
Genome position (GRCh38, 1-based): chr11:108,272,807, A>G. VCF-style: chr11-108272807-A-G. GRCh37 (hg19) VCF-style: chr11-108143534-A-G.
Other names: c.3239A>G, p.Asp1080Gly (NM_001351834.2); short protein forms D1080G.
Identifiers: ClinVar variation 1006532 (VCV001006532.11), dbSNP rs757617016, ClinGen allele CA382515978.

ClinVar aggregate classification (germline): Uncertain significance. Review status: criteria provided, multiple submitters, no conflicts (2 of 4 stars). 2 submissions from 2 submitters: Uncertain significance (2). Last evaluated 2024-02-17.

Conditions:
Hereditary cancer-predisposing syndrome. Also called: Hereditary neoplastic syndrome; Neoplastic Syndromes, Hereditary; Tumor predisposition; Hereditary Cancer Syndrome. Identifiers: Orphanet 140162, MedGen C0027672, MeSH D009386, MONDO:0015356.
Ataxia-telangiectasia syndrome (AT). Also called: Ataxia-telangiectasia, complementation group D; AT, COMPLEMENTATION GROUP C; ATAXIA-TELANGIECTASIA, COMPLEMENTATION GROUP A; ATAXIA-TELANGIECTASIA, FRESNO VARIANT; Ataxia-telangiectasia; Cerebello-oculocutaneous telangiectasia. Identifiers: Orphanet 100, MedGen C0004135, MONDO:0008840, OMIM 208900.

Submissions (2):

Labcorp Genetics (formerly Invitae), Labcorp
Classification: Uncertain significance for Ataxia-telangiectasia syndrome. Last evaluated: 2024-02-17. Review status: criteria provided, single submitter. Criteria: Invitae Variant Classification Sherloc (09022015). Collection method: clinical testing. Allele origin: germline.
Comment: This sequence change replaces aspartic acid, which is acidic and polar, with glycine, which is neutral and non-polar, at codon 1080 of the ATM protein (p.Asp1080Gly). This variant is not present in population databases (gnomAD no frequency). This variant has not been reported in the literature in individuals affected with ATM-related conditions. ClinVar contains an entry for this variant (Variation ID: 1006532). An algorithm developed to predict the effect of missense changes on protein structure and function (PolyPhen-2) suggests that this variant is likely to be disruptive. In summary, the available evidence is currently insufficient to determine the role of this variant in disease. Therefore, it has been classified as a Variant of Uncertain Significance.

Ambry Genetics
Classification: Uncertain significance for Hereditary cancer-predisposing syndrome. Last evaluated: 2017-07-18. Review status: criteria provided, single submitter. Criteria: Ambry Variant Classification Scheme 2023. Collection method: clinical testing. Allele origin: germline.
Comment: The p.D1080G variant (also known as c.3239A>G), located in coding exon 21 of the ATM gene, results from an A to G substitution at nucleotide position 3239. The aspartic acid at codon 1080 is replaced by glycine, an amino acid with similar properties. This amino acid position is highly conserved in available vertebrate species. In addition, this alteration is predicted to be deleterious by BayesDel in silico analysis. Since supporting evidence is limited at this time, the clinical significance of this alteration remains unclear.